The following is an entry in ClinVar:

NM_001114753.3(ENG):c.1678C>T (p.Gln560Ter)

Genes: ENG (endoglin; minus strand), LOC102723566 (uncharacterized LOC102723566; plus strand). Cytogenetic location: 9q34.11.
Variant type: single nucleotide variant.
Coding change: c.1678C>T on transcript NM_001114753.3 (MANE Select); coding-DNA position 1678, C replaced by T.
Protein change: p.Gln560Ter; replaces glutamine 560 with a stop codon.
Molecular consequence: nonsense.
Genome position (GRCh38, 1-based): chr9:127,818,128, G>A on the plus strand (C>T on the coding strand, the complement: ENG is on the minus strand). VCF-style: chr9-127818128-G-A. GRCh37 (hg19) VCF-style: chr9-130580407-G-A.
Other names: c.1678C>T, p.Gln560Ter (NM_000118.4); c.1132C>T, p.Gln378Ter (NM_001278138.2); short protein forms Q378*, Q560*.
Identifiers: ClinVar variation 864367 (VCV000864367.9), dbSNP rs1830375228, ClinGen allele CA374974001.

ClinVar aggregate classification (germline): Pathogenic (1 of 4 stars; one submission).

Conditions:
Hereditary hemorrhagic telangiectasia (HHT). Also called: ORW DISEASE; Osler Weber Rendu syndrome; OSLER-RENDU-WEBER DISEASE; Osler hemorrhagic telangiectasia syndrome. Identifiers: Orphanet 774, MedGen C0039445, MONDO:0019180. Disease mechanism: loss of function.

Submission:

Labcorp Genetics (formerly Invitae), Labcorp
Classification: Pathogenic for Hereditary hemorrhagic telangiectasia. Last evaluated: 2024-02-29. Review status: criteria provided, single submitter. Criteria: Invitae Variant Classification Sherloc (09022015). Collection method: clinical testing. Allele origin: germline.
Comment: This sequence change creates a premature translational stop signal (p.Gln560*) in the ENG gene. It is expected to result in an absent or disrupted protein product. Loss-of-function variants in ENG are known to be pathogenic (PMID: 15879500). This variant is not present in population databases (gnomAD no frequency). This premature translational stop signal has been observed in individuals with hereditary hemorrhagic telangiectasia (PMID: 15517393; Invitae). ClinVar contains an entry for this variant (Variation ID: 864367). For these reasons, this variant has been classified as Pathogenic.

Literature cited by the submitters: PubMed 15879500; PubMed 15517393.